The following is an entry in ClinVar:

ClinVar aggregate classification (germline): Uncertain significance. Review status: criteria provided, multiple submitters, no conflicts (2 of 4 stars). 3 submissions from 3 submitters: Uncertain significance (3). Last evaluated 2025-04-24.

Conditions:
Inborn genetic diseases. Identifiers: MedGen C0950123, MeSH D030342.

Allele frequency attached by ClinVar (database versions not stated): ExAC 0.00001; gnomAD 0.00001; gnomAD exomes 0.00001; TOPMed 0.00001.
gnomAD v4.1: 19 of 1,614,064 alleles (0.0012%); highest among the groups gnomAD compares: Non-Finnish European, 0.0015%; no homozygotes.

Submissions (3):

Ambry Genetics
Classification: Uncertain significance for Inborn genetic diseases. Last evaluated: 2025-04-24. Review status: criteria provided, single submitter. Criteria: Ambry Variant Classification Scheme 2023. Collection method: clinical testing. Allele origin: germline.
Comment: The p.N126S variant (also known as c.377A>G), located in coding exon 3 of the MRAS gene, results from an A to G substitution at nucleotide position 377. The asparagine at codon 126 is replaced by serine, an amino acid with highly similar properties. This amino acid position is conserved. In addition, the in silico prediction for this alteration is inconclusive. Since supporting evidence is limited at this time, the clinical significance of this alteration remains unclear.

Labcorp Genetics (formerly Invitae), Labcorp
Classification: Uncertain significance. Last evaluated: 2024-12-02. Review status: criteria provided, single submitter. Criteria: Invitae Variant Classification Sherloc (09022015). Collection method: clinical testing. Allele origin: germline.
Comment: This sequence change replaces asparagine, which is neutral and polar, with serine, which is neutral and polar, at codon 126 of the MRAS protein (p.Asn126Ser). This variant is present in population databases (rs749415578, gnomAD 0.007%). This variant has not been reported in the literature in individuals affected with MRAS-related conditions. ClinVar contains an entry for this variant (Variation ID: 2562166). An algorithm developed to predict the effect of missense changes on protein structure and function (PolyPhen-2) suggests that this variant is likely to be tolerated. In summary, the available evidence is currently insufficient to determine the role of this variant in disease. Therefore, it has been classified as a Variant of Uncertain Significance.

Mayo Clinic Laboratories, Mayo Clinic
Classification: Uncertain significance. Last evaluated: 2023-02-21. Review status: criteria provided, single submitter. Criteria: ACMG Guidelines, 2015. Collection method: clinical testing. Allele origin: germline. Observed: 1 variant allele.
Comment: PP3

NM_001085049.3(MRAS):c.377A>G (p.Asn126Ser)

Gene: MRAS (muscle RAS oncogene homolog; plus strand). Cytogenetic location: 3q22.3.
Variant type: single nucleotide variant.
Coding change: c.377A>G on transcript NM_001085049.3 (MANE Select); coding-DNA position 377, A replaced by G.
Protein change: p.Asn126Ser; replaces asparagine 126 with serine.
Molecular consequence: missense variant.
Genome position (GRCh38, 1-based): chr3:138,398,498, A>G. VCF-style: chr3-138398498-A-G. GRCh37 (hg19) VCF-style: chr3-138117340-A-G.
Other names: p.Asn126Ser; c.377A>G, p.Asn126Ser (NM_001252090.2, NM_012219.4); c.149A>G, p.Asn50Ser (NM_001252091.1, NM_001252092.2, NM_001252093.2); short protein forms N126S, N50S.
Identifiers: ClinVar variation 2562166 (VCV002562166.7), dbSNP rs749415578, ClinGen allele CA2637011.